The following is an entry in ClinVar:

NM_006306.4(SMC1A):c.88A>G (p.Ile30Val)

Gene: SMC1A (structural maintenance of chromosomes 1A; minus strand). Cytogenetic location: Xp11.22.
Variant type: single nucleotide variant.
Coding change: c.88A>G on transcript NM_006306.4 (MANE Select); coding-DNA position 88, A replaced by G.
Protein change: p.Ile30Val; replaces isoleucine 30 with valine.
Molecular consequence: missense variant. On other transcripts: 5 prime UTR variant (1).
Genome position (GRCh38, 1-based): chrX:53,422,513, T>C on the plus strand (A>G on the coding strand, the complement: SMC1A is on the minus strand). VCF-style: chrX-53422513-T-C. GRCh37 (hg19) VCF-style: chrX-53449462-T-C.
Other names: c.-125A>G (NM_001281463.1); short protein forms I30V.
Identifiers: ClinVar variation 3063926 (VCV003063926.1), dbSNP rs1330260800, ClinGen allele CA413134840.
Genomic context (GRCh38, chrX:53,422,513, plus strand): 5'-GCCGGGACGTGCGCAGGGCCGCGGCCAGGTTTATCTCACCAGAGCCATTGGGTCCAATGA[T>C]GGCGGTGAACCTCTGAAATGGTCCGATAATCTGTCGACCCTTGTACGACTTAAAGTTCTC-3'
Protein context (NP_006297.2, residues 20-40): IIGPFQRFTA[Ile30Val]IGPNGSGKSN

ClinVar aggregate classification (germline): Uncertain significance (1 of 4 stars; one submission).

Allele frequency attached by ClinVar (database versions not stated): gnomAD exomes below 0.00001; TOPMed 0.00001.
gnomAD v4.1: 1 of 1,195,780 alleles (0.000084%); highest among the groups gnomAD compares: Non-Finnish European, 0.00011%; no homozygotes.

Submission:

Women's Health and Genetics/Laboratory Corporation of America, LabCorp
Classification: Uncertain significance. Last evaluated: 2024-01-15. Review status: criteria provided, single submitter. Criteria: LabCorp Variant Classification Summary - May 2015. Collection method: clinical testing. Allele origin: germline.
Comment: Variant summary: SMC1A c.88A>G (p.Ile30Val) results in a conservative amino acid change located in the RecF/RecN/SMC, N-terminal domain (IPR003395) of the encoded protein sequence. Three of five in-silico tools predict a benign effect of the variant on protein function. The variant was absent in 183258 control chromosomes. The available data on variant occurrences in the general population are insufficient to allow any conclusion about variant significance. To our knowledge, no occurrence of c.88A>G in individuals affected with Congenital Muscular Hypertrophy-Cerebral Syndrome and no experimental evidence demonstrating its impact on protein function have been reported. No submitters have cited clinical-significance assessments for this variant to ClinVar. Based on the evidence outlined above, the variant was classified as uncertain significance.